The following is an entry in ClinVar:

NM_001164508.2(NEB):c.10411G>T (p.Glu3471Ter)

Gene: NEB (nebulin; minus strand). Cytogenetic location: 2q23.3.
Variant type: single nucleotide variant.
Coding change: c.10411G>T on transcript NM_001164508.2 (MANE Select); coding-DNA position 10411, G replaced by T.
Protein change: p.Glu3471Ter; replaces glutamic acid 3471 with a stop codon.
Molecular consequence: nonsense.
Genome position (GRCh38, 1-based): chr2:151,625,575, C>A on the plus strand (G>T on the coding strand, the complement: NEB is on the minus strand). VCF-style: chr2-151625575-C-A. GRCh37 (hg19) VCF-style: chr2-152482089-C-A.
Other names: c.10411G>T, p.Glu3471Ter (NM_001164507.2, NM_001271208.2); c.9682G>T, p.Glu3228Ter (NM_004543.5); short protein forms E3471*, E3228*.
Identifiers: ClinVar variation 1454792 (VCV001454792.6), dbSNP rs866949431, ClinGen allele CA348791129.

ClinVar aggregate classification (germline): Pathogenic (1 of 4 stars; one submission).

Conditions:
Nemaline myopathy 2 (NEM2). Also called: Nemaline myopathy 2, autosomal recessive. Identifiers: MedGen C1850569, MONDO:0009725, OMIM 256030.

Submission:

Labcorp Genetics (formerly Invitae), Labcorp
Classification: Pathogenic for Nemaline myopathy 2. Last evaluated: 2021-06-02. Review status: criteria provided, single submitter. Criteria: Invitae Variant Classification Sherloc (09022015). Collection method: clinical testing. Allele origin: germline.
Comment: This sequence change creates a premature translational stop signal (p.Glu3471*) in the NEB gene. It is expected to result in an absent or disrupted protein product. Loss-of-function variants in NEB are known to be pathogenic (PMID: 25205138). For these reasons, this variant has been classified as Pathogenic. This variant has not been reported in the literature in individuals with NEB-related conditions. This variant is not present in population databases (ExAC no frequency).

Literature cited by the submitters: PubMed 25205138.